The following is an entry in ClinVar:

NM_018723.4(RBFOX1):c.94C>G (p.Pro32Ala)

Gene: RBFOX1 (RNA binding fox-1 homolog 1; plus strand). Cytogenetic location: 16p13.3.
Variant type: single nucleotide variant.
Coding change: c.94C>G on transcript NM_018723.4 (MANE Select); coding-DNA position 94, C replaced by G.
Protein change: p.Pro32Ala; replaces proline 32 with alanine.
Molecular consequence: missense variant.
Genome position (GRCh38, 1-based): chr16:7,518,213, C>G. VCF-style: chr16-7518213-C-G. GRCh37 (hg19) VCF-style: chr16-7568215-C-G.
Other names: c.94C>G, p.Pro32Ala (NM_001142333.2, NM_001142334.2, NM_001364800.2); c.223C>G, p.Pro75Ala (NM_001308117.1); c.154C>G, p.Pro52Ala (NM_145891.3, NM_145892.3, NM_145893.3); short protein forms P52A, P32A, P75A.
Identifiers: ClinVar variation 581562 (VCV000581562.10), dbSNP rs1567630819, ClinGen allele CA394796430.

ClinVar aggregate classification (germline): Uncertain significance (1 of 4 stars; one submission).

Conditions:
Idiopathic generalized epilepsy. Also called: EIG; Generalised epilepsy. Identifiers: MedGen C0270850, MONDO:0005579, OMIM 600669.

Allele frequency attached by ClinVar (database versions not stated): gnomAD 0.00001; TOPMed 0.00002.
gnomAD v4.1: 1 of 1,613,942 alleles (0.000062%); highest among the groups gnomAD compares: African/African-American, 0.0013%; no homozygotes.

Submission:

Labcorp Genetics (formerly Invitae), Labcorp
Classification: Uncertain significance for Idiopathic generalized epilepsy. Last evaluated: 2024-10-15. Review status: criteria provided, single submitter. Criteria: Invitae Variant Classification Sherloc (09022015). Collection method: clinical testing. Allele origin: germline.
Comment: This sequence change replaces proline, which is neutral and non-polar, with alanine, which is neutral and non-polar, at codon 52 of the RBFOX1 protein (p.Pro52Ala). This variant is not present in population databases (gnomAD no frequency). This variant has not been reported in the literature in individuals affected with RBFOX1-related conditions. ClinVar contains an entry for this variant (Variation ID: 581562). Invitae Evidence Modeling of protein sequence and biophysical properties (such as structural, functional, and spatial information, amino acid conservation, physicochemical variation, residue mobility, and thermodynamic stability) indicates that this missense variant is not expected to disrupt RBFOX1 protein function with a negative predictive value of 80%. In summary, the available evidence is currently insufficient to determine the role of this variant in disease. Therefore, it has been classified as a Variant of Uncertain Significance.